The following is an entry in ClinVar:

NM_015443.4(KANSL1):c.700G>C (p.Val234Leu)

Gene: KANSL1 (KAT8 regulatory NSL complex subunit 1). Cytogenetic location: 17q21.31.
Variant type: single nucleotide variant.
Coding change: c.700G>C on transcript NM_015443.4 (MANE Select); coding-DNA position 700, G replaced by C.
Protein change: p.Val234Leu; replaces valine 234 with leucine.
Molecular consequence: missense variant. On other transcripts: intron variant (4).
Genome position (GRCh38, 1-based): chr17:46,171,444, C>G on the plus strand (G>C on the coding strand, the complement: KANSL1 is on the minus strand). VCF-style: chr17-46171444-C-G. GRCh37 (hg19) VCF-style: chr17-44248810-C-G.
Other names: c.700G>C, p.Val234Leu (NM_001193465.2, NM_001193466.2, NM_001379198.1 and 18 more transcripts); c.23+52227G>C (NM_001405885.1, NM_001405884.1, NM_001405883.1 and 1 more transcripts); short protein forms V234L.
Identifiers: ClinVar variation 3369993 (VCV003369993.1).
Genomic context (GRCh38, chr17:46,171,444, plus strand): 5'-AGTCTGTACCAGGTGATAATCTACTGCTTCCTTGAAGTGCCGGCTGTTCCATGGAATTGA[C>G]AGAGGATTTGTTTGCAGTGCTATTATTGCTATACAAAGTTGTGTGTTCTACATCAAGGCT-3'
Protein context (NP_056258.1, residues 224-244): SNNSTANKSS[Val234Leu]NSMEQPALQG

ClinVar aggregate classification (germline): Uncertain significance (1 of 4 stars; one submission).

gnomAD v4.1: 1 of 1,614,026 alleles (0.000062%); highest among the groups gnomAD compares: Non-Finnish European, 0.000085%; no homozygotes.

Submission:

GeneDx
Classification: Uncertain significance. Last evaluated: 2023-12-21. Review status: criteria provided, single submitter. Criteria: GeneDx Variant Classification Process June 2021. Collection method: clinical testing. Allele origin: germline. Affected: yes.
Comment: Not observed at significant frequency in large population cohorts (gnomAD); In silico analysis supports that this missense variant does not alter protein structure/function; Has not been previously published as pathogenic or benign to our knowledge